The following is an entry in ClinVar:

ClinVar aggregate classification (germline): Uncertain significance. Review status: criteria provided, multiple submitters, no conflicts (2 of 4 stars). 5 submissions from 5 submitters: Uncertain significance (5). Last evaluated 2026-01-27.

Conditions:
Brittle cornea syndrome 1 (BCS1). Also called: Corneal fragility keratoglobus, blue sclerae AND joint hypermobility; CORNEAL FRAGILITY, KERATOGLOBUS, BLUE SCLERAE, JOINT HYPEREXTENSIBILITY; EDS6B; FRAGILITAS OCULI WITH JOINT HYPEREXTENSIBILITY; DYSGENESIS MESODERMALIS CORNEAE ET SCLERAE. Identifiers: Orphanet 90354, MedGen C0268344, MONDO:0024543, OMIM 229200.
Cardiovascular phenotype. Identifiers: MedGen CN230736.

Allele frequency attached by ClinVar (database versions not stated): gnomAD exomes 0.00003; TOPMed 0.00004; ExAC 0.00006; gnomAD 0.00006.
gnomAD v4.1: 109 of 1,550,114 alleles (0.007%); highest among the groups gnomAD compares: Non-Finnish European, 0.0093%; no homozygotes.

Submissions (5):

Women's Health and Genetics/Laboratory Corporation of America, LabCorp
Classification: Uncertain significance. Last evaluated: 2026-01-27. Review status: criteria provided, single submitter. Criteria: LabCorp Variant Classification Summary - May 2015. Collection method: clinical testing. Allele origin: germline.
Comment: Variant summary: ZNF469 c.5779C>T (p.Pro1927Ser) results in a non-conservative amino acid change in the encoded protein sequence. Algorithms developed to predict the effect of missense changes on protein structure and function are either unavailable or do not agree on the potential impact of this missense change. The variant allele was found at a frequency of 2.6e-05 in 152874 control chromosomes. The available data on variant occurrences in the general population are insufficient to allow any conclusion about variant significance. To our knowledge, no occurrence of c.5779C>T in individuals affected with ZNF469-related conditions and no experimental evidence demonstrating its impact on protein function have been reported. ClinVar contains an entry for this variant (Variation ID: 684503). Based on the evidence outlined above, the variant was classified as uncertain significance.

Ambry Genetics
Classification: Uncertain significance for Cardiovascular phenotype. Last evaluated: 2025-01-10. Review status: criteria provided, single submitter. Criteria: Ambry Variant Classification Scheme 2023. Collection method: clinical testing. Allele origin: germline.

Labcorp Genetics (formerly Invitae), Labcorp
Classification: Uncertain significance. Last evaluated: 2024-10-28. Review status: criteria provided, single submitter. Criteria: Invitae Variant Classification Sherloc (09022015). Collection method: clinical testing. Allele origin: germline.
Comment: This sequence change replaces proline, which is neutral and non-polar, with serine, which is neutral and polar, at codon 1899 of the ZNF469 protein (p.Pro1899Ser). This variant is present in population databases (rs537085488, gnomAD 0.007%). This variant has not been reported in the literature in individuals affected with ZNF469-related conditions. ClinVar contains an entry for this variant (Variation ID: 684503). An algorithm developed to predict the effect of missense changes on protein structure and function outputs the following: PolyPhen-2: "Probably Damaging". The serine amino acid residue is found in multiple mammalian species, which suggests that this missense change does not adversely affect protein function. In summary, the available evidence is currently insufficient to determine the role of this variant in disease. Therefore, it has been classified as a Variant of Uncertain Significance.

GeneDx
Classification: Uncertain significance. Last evaluated: 2024-02-03. Review status: criteria provided, single submitter. Criteria: GeneDx Variant Classification Process June 2021. Collection method: clinical testing. Allele origin: germline. Affected: yes.
Comment: Has not been previously published as pathogenic or benign to our knowledge; Not observed at significant frequency in large population cohorts (gnomAD); In silico analysis supports that this missense variant does not alter protein structure/function

Fulgent Genetics
Classification: Uncertain significance for Brittle cornea syndrome 1. Last evaluated: 2022-05-19. Review status: criteria provided, single submitter. Criteria: ACMG Guidelines, 2015. Collection method: clinical testing. Allele origin: unknown.

NM_001367624.2(ZNF469):c.5779C>T (p.Pro1927Ser)

Gene: ZNF469 (zinc finger protein 469; plus strand). Cytogenetic location: 16q24.2.
Variant type: single nucleotide variant.
Coding change: c.5779C>T on transcript NM_001367624.2 (MANE Select); coding-DNA position 5779, C replaced by T.
Protein change: p.Pro1927Ser; replaces proline 1927 with serine.
Molecular consequence: missense variant.
Genome position (GRCh38, 1-based): chr16:88,433,249, C>T. VCF-style: chr16-88433249-C-T. GRCh37 (hg19) VCF-style: chr16-88499657-C-T.
Other names: NM_001127464.1:c.5695C>T; NM_001127464.2:c.5695C>T; short protein forms P1927S.
Identifiers: ClinVar variation 684503 (VCV000684503.11), dbSNP rs537085488, ClinGen allele CA8225107.